The following is an entry in ClinVar:

NM_004612.4(TGFBR1):c.1229A>G (p.Glu410Gly)

Gene: TGFBR1 (transforming growth factor beta receptor 1; plus strand). Cytogenetic location: 9q22.33.
Variant type: single nucleotide variant.
Coding change: c.1229A>G on transcript NM_004612.4 (MANE Select); coding-DNA position 1229, A replaced by G.
Protein change: p.Glu410Gly; replaces glutamic acid 410 with glycine.
Molecular consequence: missense variant.
Genome position (GRCh38, 1-based): chr9:99,146,583, A>G. VCF-style: chr9-99146583-A-G. GRCh37 (hg19) VCF-style: chr9-101908865-A-G.
Other names: c.998A>G, p.Glu333Gly (NM_001130916.3); c.1241A>G, p.Glu414Gly (NM_001306210.2); short protein forms E333G, E414G, E410G.
Identifiers: ClinVar variation 834738 (VCV000834738.11), dbSNP rs1827803661, ClinGen allele CA374233107.

ClinVar aggregate classification (germline): Uncertain significance. Review status: criteria provided, multiple submitters, no conflicts (2 of 4 stars). 2 submissions from 2 submitters: Uncertain significance (2). Last evaluated 2019-12-06.

Conditions:
Familial thoracic aortic aneurysm and aortic dissection (TAAD). Also called: Thoracic aortic aneurysms and dissections. Identifiers: Orphanet 91387, MedGen C4707243, MONDO:0019625.

Submissions (2):

Labcorp Genetics (formerly Invitae), Labcorp
Classification: Uncertain significance for Familial thoracic aortic aneurysm and aortic dissection. Last evaluated: 2019-12-06. Review status: criteria provided, single submitter. Criteria: Invitae Variant Classification Sherloc (09022015). Collection method: clinical testing. Allele origin: germline.
Comment: In summary, the available evidence is currently insufficient to determine the role of this variant in disease. Therefore, it has been classified as a Variant of Uncertain Significance. Algorithms developed to predict the effect of missense changes on protein structure and function (SIFT, PolyPhen-2, Align-GVGD) all suggest that this variant is likely to be disruptive, but these predictions have not been confirmed by published functional studies and their clinical significance is uncertain. This variant has not been reported in the literature in individuals with TGFBR1-related conditions. This variant is not present in population databases (ExAC no frequency). This sequence change replaces glutamic acid with glycine at codon 410 of the TGFBR1 protein (p.Glu410Gly). The glutamic acid residue is highly conserved and there is a moderate physicochemical difference between glutamic acid and glycine.

GeneDx
Classification: Uncertain significance. Last evaluated: 2019-01-25. Review status: criteria provided, single submitter. Criteria: GeneDx Variant Classification Process June 2021. Collection method: clinical testing. Allele origin: germline. Affected: yes.
Comment: Not observed in large population cohorts (Lek et al., 2016); In silico analysis, which includes protein predictors and evolutionary conservation, supports a deleterious effect; Has not been previously published as pathogenic or benign to our knowledge; Has not been observed in a significant number of affected individuals, and lacks both segregation and functional studies which would further clarify pathogenicity